The following is an entry in ClinVar:

ClinVar aggregate classification (germline): Uncertain significance (1 of 4 stars; one submission).

Submission:

GeneDx
Classification: Uncertain significance. Last evaluated: 2023-09-13. Review status: criteria provided, single submitter. Criteria: GeneDx Variant Classification Process June 2021. Collection method: clinical testing. Allele origin: germline.
Comment: Not observed at significant frequency in large population cohorts (gnomAD); Canonical splice site variant in a gene or region of a gene for which loss of function is not a well-established mechanism of disease; Has not been previously published as pathogenic or benign to our knowledge; Variants in candidate genes are classified as variants of uncertain significance in accordance with ACMG guidelines (Richards et al., 2015)

NM_014921.5(ADGRL1):c.285-13_301del

Genes: ADGRL1 (adhesion G protein-coupled receptor L1; minus strand), ADGRL1-AS1 (ADGRL1 antisense RNA 1; plus strand). Cytogenetic location: 19p13.12.
Variant type: Deletion.
Coding change: c.285-13_301del on transcript NM_014921.5 (MANE Select); 13 bases into the intron before coding-DNA position 285 through coding-DNA position 301, 30 bases deleted (TTCTCCTCTGAAGGTGTAACAACCGCACCC).
Molecular consequence: splice acceptor variant. On other transcripts: non-coding transcript variant (1).
Genome position (GRCh38, 1-based): chr19:14,170,775-14,170,804, GGGTGCGGTTGTTACACCTTCAGAGGAGAA deleted on the plus strand (TTCTCCTCTGAAGGTGTAACAACCGCACCC on the coding strand, the reverse complement: ADGRL1 is on the minus strand). VCF-style (leftmost placement, unchanged base first): chr19-14170774-TGGGTGCGGTTGTTACACCTTCAGAGGAGAA-T. GRCh37 (hg19) VCF-style: chr19-14281586-TGGGTGCGGTTGTTACACCTTCAGAGGAGAA-T.
Other names: c.285-13_301del (NM_001008701.3).
Identifiers: ClinVar variation 4891395 (VCV004891395.1).